The following is an entry in ClinVar:

NM_002028.4(FNTB):c.771C>T (p.Ala257=)

Genes: CHURC1-FNTB (CHURC1-FNTB readthrough; plus strand), FNTB (farnesyltransferase, CAAX box, subunit beta; plus strand), MAX (MYC associated transcriptional regulator X; minus strand). Cytogenetic location: 14q23.3.
Variant type: single nucleotide variant.
Coding change: c.771C>T on transcript NM_002028.4 (MANE Select); coding-DNA position 771, C replaced by T.
Protein change: p.Ala257=; no amino-acid change (alanine 257 retained).
Molecular consequence: synonymous variant. On other transcripts: intron variant (2).
Genome position (GRCh38, 1-based): chr14:65,040,868, C>T. VCF-style: chr14-65040868-C-T. GRCh37 (hg19) VCF-style: chr14-65507586-C-T.
Other names: c.633C>T, p.Ala211= (NM_001202558.2); c.954C>T, p.Ala318= (NM_001202559.1); c.145-34584G>A (NM_001271069.2); c.172-34584G>A (NM_197957.4).
Identifiers: ClinVar variation 3904983 (VCV003904983.10).

ClinVar aggregate classification (germline): Likely benign (1 of 4 stars; one submission).

gnomAD v4.1: 187 of 1,613,970 alleles (0.012%); highest among the groups gnomAD compares: African/African-American, 0.18%; no homozygotes.

Submission:

CeGaT Center for Human Genetics Tuebingen
Classification: Likely benign. Last evaluated: 2025-06-01. Review status: criteria provided, single submitter. Criteria: CeGaT Center For Human Genetics Tuebingen Variant Classification Criteria Version 2. Collection method: clinical testing. Allele origin: germline. Affected: yes. Observed: 1 variant allele.
Comment: FNTB: BP4, BP7